The following is an entry in ClinVar:

ClinVar aggregate classification (germline): Uncertain significance. Review status: criteria provided, multiple submitters, no conflicts (2 of 4 stars). 2 submissions from 2 submitters: Uncertain significance (2). Last evaluated 2022-10-27.

Conditions:
Early-infantile DEE. Also called: Early infantile epileptic encephalopathy; Early infantile epileptic encephalopathy with suppression bursts; Ohtahara syndrome. Identifiers: Orphanet 1934, MedGen C0393706, MONDO:0800491.

Submissions (2):

Labcorp Genetics (formerly Invitae), Labcorp
Classification: Uncertain significance for Early-infantile DEE. Last evaluated: 2022-10-27. Review status: criteria provided, single submitter. Criteria: Invitae Variant Classification Sherloc (09022015). Collection method: clinical testing. Allele origin: germline.
Comment: In summary, the available evidence is currently insufficient to determine the role of this variant in disease. Therefore, it has been classified as a Variant of Uncertain Significance. Advanced modeling of protein sequence and biophysical properties (such as structural, functional, and spatial information, amino acid conservation, physicochemical variation, residue mobility, and thermodynamic stability) has been performed at Invitae for this missense variant, however the output from this modeling did not meet the statistical confidence thresholds required to predict the impact of this variant on SPTAN1 protein function. ClinVar contains an entry for this variant (Variation ID: 1326684). This variant has not been reported in the literature in individuals affected with SPTAN1-related conditions. This variant is not present in population databases (gnomAD no frequency). This sequence change replaces glutamic acid, which is acidic and polar, with glutamine, which is neutral and polar, at codon 2377 of the SPTAN1 protein (p.Glu2377Gln).

GeneDx
Classification: Uncertain significance. Last evaluated: 2021-05-27. Review status: criteria provided, single submitter. Criteria: GeneDx Variant Classification Process June 2021. Collection method: clinical testing. Allele origin: germline. Affected: yes.
Comment: Not observed in large population cohorts (Lek et al., 2016); In silico analysis supports that this missense variant does not alter protein structure/function; Has not been previously published as pathogenic or benign to our knowledge

NM_001130438.3(SPTAN1):c.7129G>C (p.Glu2377Gln)

Gene: SPTAN1 (spectrin alpha, non-erythrocytic 1; plus strand). Cytogenetic location: 9q34.11.
Variant type: single nucleotide variant.
Coding change: c.7129G>C on transcript NM_001130438.3 (MANE Select); coding-DNA position 7129, G replaced by C.
Protein change: p.Glu2377Gln; replaces glutamic acid 2377 with glutamine.
Molecular consequence: missense variant.
Genome position (GRCh38, 1-based): chr9:128,632,687, G>C. VCF-style: chr9-128632687-G-C. GRCh37 (hg19) VCF-style: chr9-131394966-G-C.
Other names: c.7069G>C, p.Glu2357Gln (NM_001363765.2, NM_001375314.2); c.7216G>C, p.Glu2406Gln (NM_001375310.1); c.7129G>C, p.Glu2377Gln (NM_001375311.2); c.7165G>C, p.Glu2389Gln (NM_001375312.2); c.7111G>C, p.Glu2371Gln (NM_001375313.1); c.7228G>C, p.Glu2410Gln (NM_001375318.1); c.7114G>C, p.Glu2372Gln (NM_003127.4); c.7054G>C, p.Glu2352Gln (NM_001195532.2); and 1 more; short protein forms E2352Q, E2357Q, E2371Q, E2372Q, E2377Q, E2389Q, E2398Q, E2406Q.
Identifiers: ClinVar variation 1326684 (VCV001326684.5), dbSNP rs757162652, ClinGen allele CA375101033.